The following is an entry in ClinVar:

ClinVar aggregate classification (germline): Benign (1 of 4 stars; one submission).

Allele frequency attached by ClinVar (database versions not stated): 1000 Genomes Project 0.30371; 1000 Genomes Project 30x 0.30465; TOPMed 0.33222; gnomAD 0.34432.
gnomAD v4.1: 50,929 of 151,866 alleles (34%); highest among the groups gnomAD compares: Middle Eastern, 39%; 8,518 homozygotes.

Submission:

GeneDx
Classification: Benign. Last evaluated: 2018-06-14. Review status: criteria provided, single submitter. Criteria: GeneDx Variant Classification (06012015). Collection method: clinical testing. Allele origin: germline. Affected: yes.
Comment: This variant is considered likely benign or benign based on one or more of the following criteria: it is a conservative change, it occurs at a poorly conserved position in the protein, it is predicted to be benign by multiple in silico algorithms, and/or has population frequency not consistent with disease.

NM_001083962.2(TCF4):c.1146+229G>C

Gene: TCF4 (transcription factor 4; minus strand). Cytogenetic location: 18q21.2.
Variant type: single nucleotide variant.
Coding change: c.1146+229G>C on transcript NM_001083962.2 (MANE Select); 229 bases into the intron after coding-DNA position 1146, G replaced by C.
Molecular consequence: intron variant.
Genome position (GRCh38, 1-based): chr18:55,257,086, C>G on the plus strand (G>C on the coding strand, the complement: TCF4 is on the minus strand). VCF-style: chr18-55257086-C-G. GRCh37 (hg19) VCF-style: chr18-52924317-C-G.
Other names: c.1146+229G>C (NM_001369572.1, NM_001369568.1, NM_001369571.1 and 2 more transcripts); c.1071+229G>C (NM_001369585.1, NM_001369584.1, NM_001369576.1 and 6 more transcripts); c.1452+229G>C (NM_001243226.3); c.1074+229G>C (NM_001369582.1, NM_001243227.2, NM_001369575.1 and 5 more transcripts); c.1077+229G>C (NM_001369586.1); c.1164+229G>C (NM_001243228.2); c.1137+229G>C (NM_001243230.2); c.1143+229G>C (NM_001369569.1, NM_001369573.1, NM_001369570.1 and 2 more transcripts); and 6 more.
Identifiers: ClinVar variation 670703 (VCV000670703.1), dbSNP rs11662842, ClinGen allele CA15919118.
Genomic context (GRCh38, chr18:55,257,086, plus strand): 5'-TTGACAGGGATCTTTCCTAGAGATGGGGAGAAGGCCATTGCCCTTCCAGGATTTTATCTG[C>G]TACTAGATATTTAGAGCCCTGGGGCTGCCATTACAGTAGTATCTGGGTTCCCATCTCCAA-3'